The following is an entry in ClinVar:

ClinVar aggregate classification (germline): Uncertain significance (1 of 4 stars; one submission).

Conditions:
Brugada syndrome. Also called: Sudden unexplained nocturnal death syndrome; Sudden unexpected nocturnal death syndrome; Sudden Unexplained Death Syndrome; Sudden Unexplained Nocturnal Death Syndrome (SUNDS). Identifiers: Orphanet 130, MedGen C1142166, MONDO:0015263.

Allele frequency attached by ClinVar (database versions not stated): gnomAD exomes below 0.00001; TOPMed below 0.00001; gnomAD 0.00001.
gnomAD v4.1: 4 of 1,607,430 alleles (0.00025%); highest among the groups gnomAD compares: Admixed American, 0.005%; no homozygotes.

Submission:

Labcorp Genetics (formerly Invitae), Labcorp
Classification: Uncertain significance for Brugada syndrome. Last evaluated: 2025-09-24. Review status: criteria provided, single submitter. Criteria: Invitae Variant Classification Sherloc (09022015). Collection method: clinical testing. Allele origin: germline.
Comment: This sequence change replaces glycine, which is neutral and non-polar, with serine, which is neutral and polar, at codon 4 of the CACNA2D1 protein (p.Gly4Ser). This variant is present in population databases (no rsID available, gnomAD 0.003%). This variant has not been reported in the literature in individuals affected with CACNA2D1-related conditions. ClinVar contains an entry for this variant (Variation ID: 2196311). An algorithm developed to predict the effect of missense changes on protein structure and function (PolyPhen-2) suggests that this variant is likely to be tolerated. In summary, the available evidence is currently insufficient to determine the role of this variant in disease. Therefore, it has been classified as a Variant of Uncertain Significance.

NM_000722.4(CACNA2D1):c.10G>A (p.Gly4Ser)

Gene: CACNA2D1 (calcium voltage-gated channel auxiliary subunit alpha2delta 1; minus strand). Cytogenetic location: 7q21.11.
Variant type: single nucleotide variant.
Coding change: c.10G>A on transcript NM_000722.4 (MANE Select); coding-DNA position 10, G replaced by A.
Protein change: p.Gly4Ser; replaces glycine 4 with serine.
Molecular consequence: missense variant.
Genome position (GRCh38, 1-based): chr7:82,443,450, C>T on the plus strand (G>A on the coding strand, the complement: CACNA2D1 is on the minus strand). VCF-style: chr7-82443450-C-T. GRCh37 (hg19) VCF-style: chr7-82072766-C-T.
Other names: c.10G>A, p.Gly4Ser (NM_001302890.2, NM_001366867.1); short protein forms G4S.
Identifiers: ClinVar variation 2196311 (VCV002196311.4), dbSNP rs1477073387, ClinGen allele CA368017697.
Genomic context (GRCh38, chr7:82,443,450, plus strand): 5'-CCGACGAGGGGCCGATGAGCAAAGATTGGAAAAGTGTCAGAGTCAAGGCCAGCAGGCAGC[C>T]AGCAGCCATCTTCGCGATCGAAGATCAATGCCCCCTCCCTGCCCAAGCGGGGGAAGGAGC-3'
Protein context (NP_000713.2, residues 1-14): MAA[Gly4Ser]CLLALTLTLF